The following is an entry in ClinVar:

NM_000179.3(MSH6):c.518del (p.Leu173fs)

Gene: MSH6 (mutS homolog 6; plus strand). Cytogenetic location: 2p16.3.
Variant type: Deletion.
Coding change: c.518del on transcript NM_000179.3 (MANE Select); coding-DNA position 518, one base deleted (T; older notation c.518delT).
Protein change: p.Leu173fs; shifts the reading frame from leucine 173.
Molecular consequence: frameshift variant. On other transcripts: 5 prime UTR variant (1), intron variant (2).
Genome position (GRCh38, 1-based): chr2:47,795,954, T deleted. VCF-style (leftmost placement, unchanged base first): chr2-47795953-CT-C. GRCh37 (hg19) VCF-style: chr2-48023092-CT-C.
Other names: c.-385del (NM_001281494.2); c.614delT, p.Leu205Argfs (NM_001406795.1, NM_001406802.1); c.518delT, p.Leu173Argfs (NM_001406796.1, NM_001406798.1, NM_001406800.1 and 5 more transcripts); c.221delT, p.Leu74Argfs (NM_001406797.1, NM_001406801.1, NM_001406805.1 and 10 more transcripts); c.-8delT (NM_001406799.1, NM_001406806.1, NM_001406807.1); c.440delT, p.Leu147Argfs (NM_001406804.1); c.524delT, p.Leu175Argfs (NM_001406813.1); c.-477delT (NM_001406814.1); and 3 more; short protein forms L173fs.
Identifiers: ClinVar variation 1745903 (VCV001745903.2), dbSNP rs2530518211, ClinGen allele CA2580066994.
Genomic context (GRCh38, chr2:47,795,953, plus strand): 5'-GGTTCAAAATCAAAGGAAGCCCAGAAGGGAGGTCATTTTTACAGTGCAAAGCCTGAAATA[CT>C]GAGAGCAATGCAACGTGCAGATGAAGCCTTAAATAAAGACAAGATTAAGAGGCTTGAATT-3'

ClinVar aggregate classification (germline): Pathogenic (1 of 4 stars; one submission).

Conditions:
Hereditary cancer-predisposing syndrome. Also called: Hereditary Cancer Syndrome; Neoplastic Syndromes, Hereditary; Tumor predisposition; Hereditary neoplastic syndrome. Identifiers: Orphanet 140162, MedGen C0027672, MeSH D009386, MONDO:0015356.

Submission:

Ambry Genetics
Classification: Pathogenic for Hereditary cancer-predisposing syndrome. Last evaluated: 2018-04-06. Review status: criteria provided, single submitter. Criteria: Ambry Variant Classification Scheme 2023. Collection method: clinical testing. Allele origin: germline.
Comment: The c.518delT pathogenic mutation, located in coding exon 3 of the MSH6 gene, results from a deletion of one nucleotide at nucleotide position 518, causing a translational frameshift with a predicted alternate stop codon (p.L173Rfs*11). This alteration is expected to result in loss of function by premature protein truncation or nonsense-mediated mRNA decay. As such, this alteration is interpreted as a disease-causing mutation.